The following is an entry in ClinVar:

ClinVar aggregate classification (germline): Uncertain significance. Review status: criteria provided, multiple submitters, no conflicts (2 of 4 stars). 2 submissions from 2 submitters: Uncertain significance (2). Last evaluated 2026-04-24.

Conditions:
Ullrich congenital muscular dystrophy 2 (UCMD2). Identifiers: Orphanet 75840, MedGen C4225314, MONDO:0014654, OMIM 616470.
Bethlem myopathy 2 (BTHLM2). Identifiers: Orphanet 536516, Orphanet 610, MedGen C4225313, MONDO:0034022, OMIM 616471.

Allele frequency attached by ClinVar (database versions not stated): gnomAD exomes 0.00001 and 0.00005; TOPMed 0.00001; gnomAD 0.00001.
gnomAD v4.1: 68 of 1,613,946 alleles (0.0042%); highest among the groups gnomAD compares: Non-Finnish European, 0.0057%; no homozygotes.

Submissions (2):

GeneDx
Classification: Uncertain significance. Last evaluated: 2026-04-24. Review status: criteria provided, single submitter. Criteria: GeneDx Variant Classification Process June 2021. Collection method: clinical testing. Allele origin: germline.
Comment: Not observed at significant frequency in large population cohorts (gnomAD); In silico analysis supports that this missense variant has a deleterious effect on protein structure/function; Has not been previously published as pathogenic or benign to our knowledge

Labcorp Genetics (formerly Invitae), Labcorp
Classification: Uncertain significance for Bethlem myopathy 2; Ullrich congenital muscular dystrophy 2. Last evaluated: 2024-10-17. Review status: criteria provided, single submitter. Criteria: Invitae Variant Classification Sherloc (09022015). Collection method: clinical testing. Allele origin: germline.
Comment: This sequence change replaces glycine, which is neutral and non-polar, with tryptophan, which is neutral and slightly polar, at codon 2050 of the COL12A1 protein (p.Gly2050Trp). This variant is present in population databases (no rsID available, gnomAD 0.003%). This variant has not been reported in the literature in individuals affected with COL12A1-related conditions. ClinVar contains an entry for this variant (Variation ID: 660068). Invitae Evidence Modeling of protein sequence and biophysical properties (such as structural, functional, and spatial information, amino acid conservation, physicochemical variation, residue mobility, and thermodynamic stability) has been performed for this missense variant. However, the output from this modeling did not meet the statistical confidence thresholds required to predict the impact of this variant on COL12A1 protein function. In summary, the available evidence is currently insufficient to determine the role of this variant in disease. Therefore, it has been classified as a Variant of Uncertain Significance.

NM_004370.6(COL12A1):c.6148G>T (p.Gly2050Trp)

Gene: COL12A1 (collagen type XII alpha 1 chain; minus strand). Cytogenetic location: 6q13.
Variant type: single nucleotide variant.
Coding change: c.6148G>T on transcript NM_004370.6 (MANE Select); coding-DNA position 6148, G replaced by T.
Protein change: p.Gly2050Trp; replaces glycine 2050 with tryptophan.
Molecular consequence: missense variant.
Genome position (GRCh38, 1-based): chr6:75,130,153, C>A on the plus strand (G>T on the coding strand, the complement: COL12A1 is on the minus strand). VCF-style: chr6-75130153-C-A. GRCh37 (hg19) VCF-style: chr6-75839869-C-A.
Other names: c.2656G>T, p.Gly886Trp (NM_080645.3); short protein forms G2050W, G886W.
Identifiers: ClinVar variation 660068 (VCV000660068.11), dbSNP rs947116571, ClinGen allele CA140986929.